The following is an entry in ClinVar:

NM_004006.3(DMD):c.4022A>G (p.Asn1341Ser)

Gene: DMD (dystrophin; minus strand). Cytogenetic location: Xp21.1.
Variant type: single nucleotide variant.
Coding change: c.4022A>G on transcript NM_004006.3 (MANE Select); coding-DNA position 4022, A replaced by G.
Protein change: p.Asn1341Ser; replaces asparagine 1341 with serine.
Molecular consequence: missense variant.
Genome position (GRCh38, 1-based): chrX:32,438,290, T>C on the plus strand (A>G on the coding strand, the complement: DMD is on the minus strand). VCF-style: chrX-32438290-T-C. GRCh37 (hg19) VCF-style: chrX-32456407-T-C.
Other names: c.3998A>G, p.Asn1333Ser (NM_000109.4); c.4010A>G, p.Asn1337Ser (NM_004009.3); c.3653A>G, p.Asn1218Ser (NM_004010.3); c.4022A>G (NM_004006.2); short protein forms N1337S, N1341S, N1333S, N1218S.
Identifiers: ClinVar variation 1494464 (VCV001494464.4), dbSNP rs2098269107, ClinGen allele CA412669308.

ClinVar aggregate classification (germline): Uncertain significance. Review status: criteria provided, multiple submitters, no conflicts (2 of 4 stars). 2 submissions from 2 submitters: Uncertain significance (2). Last evaluated 2026-08-22.

Conditions:
Cardiovascular phenotype. Identifiers: MedGen CN230736.
Duchenne muscular dystrophy (DMD). Also called: MUSCULAR DYSTROPHY, PSEUDOHYPERTROPHIC PROGRESSIVE, DUCHENNE TYPE; Duchenne Muscular Dystrophy (DMD). Identifiers: Orphanet 98896, MedGen C0013264, MONDO:0010679, OMIM 310200.

Submissions (2):

Ambry Genetics
Classification: Uncertain significance for Cardiovascular phenotype. Last evaluated: 2026-08-22. Review status: criteria provided, single submitter. Criteria: Ambry Variant Classification Scheme 2023. Collection method: clinical testing. Allele origin: germline.
Comment: The p.N1341S variant (also known as c.4022A>G), located in coding exon 29 of the DMD gene, results from an A to G substitution at nucleotide position 4022. The asparagine at codon 1341 is replaced by serine, an amino acid with highly similar properties. This amino acid position is conserved. In addition, this alteration is predicted to be tolerated by in silico analysis. Based on the available evidence, the clinical significance of this variant remains unclear.

Labcorp Genetics (formerly Invitae), Labcorp
Classification: Uncertain significance for Duchenne muscular dystrophy. Last evaluated: 2022-05-18. Review status: criteria provided, single submitter. Criteria: Invitae Variant Classification Sherloc (09022015). Collection method: clinical testing. Allele origin: germline.
Comment: This sequence change replaces asparagine, which is neutral and polar, with serine, which is neutral and polar, at codon 1341 of the DMD protein (p.Asn1341Ser). This variant is not present in population databases (gnomAD no frequency). This variant has not been reported in the literature in individuals affected with DMD-related conditions. Algorithms developed to predict the effect of missense changes on protein structure and function are either unavailable or do not agree on the potential impact of this missense change (SIFT: "Tolerated"; PolyPhen-2: "Possibly Damaging"; Align-GVGD: "Class C0"). Algorithms developed to predict the effect of sequence changes on RNA splicing suggest that this variant may create or strengthen a splice site. In summary, the available evidence is currently insufficient to determine the role of this variant in disease. Therefore, it has been classified as a Variant of Uncertain Significance.